The following is an entry in ClinVar:

NM_001130987.2(DYSF):c.4221+1_4221+3del

Gene: DYSF (dysferlin; plus strand). Cytogenetic location: 2p13.2.
Variant type: Microsatellite.
Coding change: c.4221+1_4221+3del on transcript NM_001130987.2 (MANE Select); the canonical splice donor site of the intron after coding-DNA position 4221 through 3 bases into the intron after coding-DNA position 4221, 3 bases deleted (GTG; older notation c.4221+1_4221+3delGTG).
Molecular consequence: splice donor variant.
Genome position (GRCh38, 1-based): chr2:71,611,627-71,611,629, GTG deleted; deleting any 3 consecutive bases within chr2:71,611,624-71,611,629 gives the same sequence; the c. name uses the placement nearest the transcript's 3' end. VCF-style (leftmost placement, unchanged base first): chr2-71611623-AGTG-A. GRCh37 (hg19) VCF-style: chr2-71838753-AGTG-A.
Other names: c.4260+1_4260+3del (NM_001130979.2); c.4218+1_4218+3del (NM_001130981.2, NM_001130980.2); c.4167+1_4167+3del (NM_001130978.2, NM_003494.4); c.4125+1_4125+3del (NM_001130977.2, NM_001130976.2); c.4263+1_4263+3del (NM_001130982.2); c.4221+1_4221+3del (NM_001130985.2); c.4170+1_4170+3del (NM_001130983.2, NM_001130455.2); c.4128+1_4128+3del (NM_001130984.2, NM_001130986.2).
Identifiers: ClinVar variation 1501582 (VCV001501582.6), dbSNP rs1189803641, ClinGen allele CA892652134.

ClinVar aggregate classification (germline): Uncertain significance (1 of 4 stars; one submission).

Conditions:
Neuromuscular disease caused by qualitative or quantitative defects of dysferlin. Also called: Qualitative or quantitative defects of dysferlin; Dysferlinopathy. Identifiers: Orphanet 207073, MedGen C2931687, MONDO:0016145.

Submission:

Labcorp Genetics (formerly Invitae), Labcorp
Classification: Uncertain significance for Neuromuscular disease caused by qualitative or quantitative defects of dysferlin. Last evaluated: 2021-10-31. Review status: criteria provided, single submitter. Criteria: Invitae Variant Classification Sherloc (09022015). Collection method: clinical testing. Allele origin: germline.
Comment: This variant has not been reported in the literature in individuals affected with DYSF-related conditions. This variant is also known as c.4167+1_4167+3del. This variant, c.4165_4167del, results in the deletion of 1 amino acid(s) of the DYSF protein (p.Val1389del), but otherwise preserves the integrity of the reading frame. This variant also falls at the last nucleotide of exon 38, which is part of the consensus splice site for this exon. This variant is not present in population databases (gnomAD no frequency). Variants that disrupt the consensus splice site are a relatively common cause of aberrant splicing (PMID: 17576681, 9536098). Algorithms developed to predict the effect of sequence changes on RNA splicing suggest that this variant may disrupt the consensus splice site. In summary, the available evidence is currently insufficient to determine the role of this variant in disease. Therefore, it has been classified as a Variant of Uncertain Significance.

Literature cited by the submitters: PubMed 17576681; PubMed 9536098.